The following is an entry in ClinVar:

ClinVar aggregate classification (germline): Uncertain significance. Review status: criteria provided, multiple submitters, no conflicts (2 of 4 stars). 2 submissions from 2 submitters: Uncertain significance (2). Last evaluated 2022-08-23.

Conditions:
Charcot-Marie-Tooth disease type 2. Also called: Charcot-Marie-Tooth type 2. Identifiers: Orphanet 64746, MedGen C0270914, MONDO:0018993.

Submissions (2):

Labcorp Genetics (formerly Invitae), Labcorp
Classification: Uncertain significance for Charcot-Marie-Tooth disease type 2. Last evaluated: 2022-08-23. Review status: criteria provided, single submitter. Criteria: Invitae Variant Classification Sherloc (09022015). Collection method: clinical testing. Allele origin: germline.
Comment: In summary, the available evidence is currently insufficient to determine the role of this variant in disease. Therefore, it has been classified as a Variant of Uncertain Significance. Experimental studies and prediction algorithms are not available or were not evaluated, and the functional significance of this variant is currently unknown. ClinVar contains an entry for this variant (Variation ID: 1307827). This variant has not been reported in the literature in individuals affected with MFN2-related conditions. Information on the frequency of this variant in the gnomAD database is not available, as this variant may be reported differently in the database. This variant, c.462_463delinsTT, is a complex sequence change that results in the deletion of 2 and insertion of 2 amino acid(s) in the MFN2 protein (p.Lys154_Arg155delinsAsnTrp).

GeneDx
Classification: Uncertain significance. Last evaluated: 2019-08-13. Review status: criteria provided, single submitter. Criteria: GeneDx Variant Classification Process June 2021. Collection method: clinical testing. Allele origin: germline. Affected: yes.
Comment: In silico analysis, which includes protein predictors and evolutionary conservation, supports a deleterious effect; Not observed in large population cohorts (Lek et al., 2016); Has not been previously published as pathogenic or benign to our knowledge

NM_014874.4(MFN2):c.462_463delinsTT (p.Lys154_Arg155delinsAsnTrp)

Gene: MFN2 (mitofusin 2; plus strand). Cytogenetic location: 1p36.22.
Variant type: Indel.
Coding change: c.462_463delinsTT on transcript NM_014874.4 (MANE Select); coding-DNA positions 462 to 463, GA replaced by TT.
Protein change: p.Lys154_Arg155delinsAsnTrp.
Molecular consequence: missense variant.
Genome position (GRCh38, 1-based): chr1:11,996,306-11,996,307, GA replaced by TT. VCF-style: chr1-11996306-GA-TT. GRCh37 (hg19) VCF-style: chr1-12056363-GA-TT.
Other names: c.462_463delinsTT, p.Lys154_Arg155delinsAsnTrp (NM_001127660.2).
Identifiers: ClinVar variation 1307827 (VCV001307827.6), dbSNP rs2100822768, ClinGen allele CA2573051353.